The following is an entry in ClinVar:

ClinVar aggregate classification (germline): Uncertain significance (1 of 4 stars; one submission).

Conditions:
Autosomal dominant limb-girdle muscular dystrophy type 1F (LGMDD2). Also called: Limb-girdle muscular dystrophy, type 1F; MUSCULAR DYSTROPHY, LIMB-GIRDLE, AUTOSOMAL DOMINANT 2. Identifiers: Orphanet 55595, MedGen C1842062, MONDO:0012034, OMIM 608423.

Submission:

Labcorp Genetics (formerly Invitae), Labcorp
Classification: Uncertain significance for Autosomal dominant limb-girdle muscular dystrophy type 1F. Last evaluated: 2023-03-27. Review status: criteria provided, single submitter. Criteria: Invitae Variant Classification Sherloc (09022015). Collection method: clinical testing. Allele origin: germline.
Comment: This variant has not been reported in the literature in individuals affected with TNPO3-related conditions. ClinVar contains an entry for this variant (Variation ID: 2063011). Experimental studies and prediction algorithms are not available or were not evaluated, and the effect of this variant on mRNA splicing is currently unknown. In summary, the available evidence is currently insufficient to determine the role of this variant in disease. Therefore, it has been classified as a Variant of Uncertain Significance. Information on the frequency of this variant in the gnomAD database is not available, as this variant may be reported differently in the database. This sequence change falls in intron 14 of the TNPO3 gene. It does not directly change the encoded amino acid sequence of the TNPO3 protein.

NM_012470.4(TNPO3):c.1859+15_1859+16delinsAA

Gene: TNPO3 (transportin 3; minus strand). Cytogenetic location: 7q32.1.
Variant type: Indel.
Coding change: c.1859+15_1859+16delinsAA on transcript NM_012470.4 (MANE Select); bases 15 to 16 of the intron after coding-DNA position 1859, TC replaced by AA.
Molecular consequence: intron variant.
Genome position (GRCh38, 1-based): chr7:128,982,232-128,982,233, GA replaced by TT on the plus strand (TC replaced by AA on the coding strand, the reverse complement: TNPO3 is on the minus strand). VCF-style: chr7-128982232-GA-TT. GRCh37 (hg19) VCF-style: chr7-128622286-GA-TT.
Other names: c.1715+15_1715+16delinsAA (NM_001382221.1); c.1712+15_1712+16delinsAA (NM_001382222.1); c.1751+15_1751+16delinsAA (NM_001382219.1); c.1667+15_1667+16delinsAA (NM_001382223.1, NM_001191028.3); c.1859+15_1859+16delinsAA (NM_001382220.1, NM_001382218.1); c.1961+15_1961+16delinsAA (NM_001382216.1); c.1940+15_1940+16delinsAA (NM_001382217.1).
Identifiers: ClinVar variation 2063011 (VCV002063011.4), dbSNP rs2536056341, ClinGen allele CA2580076570.